The following is an entry in ClinVar:

ClinVar aggregate classification (germline): Likely pathogenic (1 of 4 stars; one submission).

Allele frequency attached by ClinVar (database versions not stated): TOPMed 0.00001.
gnomAD v4.1: 4 of 1,611,980 alleles (0.00025%); highest among the groups gnomAD compares: Admixed American, 0.0017%; no homozygotes.

Submission:

GeneDx
Classification: Likely pathogenic. Last evaluated: 2017-06-02. Review status: criteria provided, single submitter. Criteria: GeneDx Variant Classification (06012015). Collection method: clinical testing. Allele origin: germline. Affected: yes.
Comment: TheY438X variant has not been published as a pathogenic variant, nor has it been reported as a benign variant to our knowledge. The Y438X variant is not observed in large population cohorts (Lek et al., 2016; 1000 Genomes Consortium et al., 2015; Exome Variant Server). The Y438X nonsense variant in the is predicted to cause loss of normal protein function either through protein truncation or nonsense-mediated mRNA decay. Although this variant has not been previously reported, other loss of function variants in the QARS gene have been reported in the Human Gene Mutation Database in association with QARS-related disorders (Stenson et al., 2014). Therefore, this variant is likely pathogenic; however, the possibility that it is benign cannot be excluded.

NM_005051.3(QARS1):c.1314C>G (p.Tyr438Ter)

Gene: QARS1 (glutaminyl-tRNA synthetase 1; minus strand). Cytogenetic location: 3p21.31.
Variant type: single nucleotide variant.
Coding change: c.1314C>G on transcript NM_005051.3 (MANE Select); coding-DNA position 1314, C replaced by G.
Protein change: p.Tyr438Ter; replaces tyrosine 438 with a stop codon.
Molecular consequence: nonsense. On other transcripts: non-coding transcript variant (1).
Genome position (GRCh38, 1-based): chr3:49,099,835, G>C on the plus strand (C>G on the coding strand, the complement: QARS1 is on the minus strand). VCF-style: chr3-49099835-G-C. GRCh37 (hg19) VCF-style: chr3-49137268-G-C.
Other names: c.1281C>G, p.Tyr427Ter (NM_001272073.2); short protein forms Y438*, Y427*.
Identifiers: ClinVar variation 432370 (VCV000432370.2), dbSNP rs1294643628, ClinGen allele CA352708137.